The following is an entry in ClinVar:

NM_004237.4(TRIP13):c.706A>G (p.Ile236Val)

Gene: TRIP13 (thyroid hormone receptor interactor 13; plus strand). Cytogenetic location: 5p15.33.
Variant type: single nucleotide variant.
Coding change: c.706A>G on transcript NM_004237.4 (MANE Select); coding-DNA position 706, A replaced by G.
Protein change: p.Ile236Val; replaces isoleucine 236 with valine.
Molecular consequence: missense variant.
Genome position (GRCh38, 1-based): chr5:908,021, A>G. VCF-style: chr5-908021-A-G. GRCh37 (hg19) VCF-style: chr5-908136-A-G.
Other names: c.706A>G, p.Ile236Val (NM_001166260.2); short protein forms I236V.
Identifiers: ClinVar variation 4993109 (VCV004993109.1).

ClinVar aggregate classification (germline): Uncertain significance (1 of 4 stars; one submission).

Conditions:
TRIP13-related disorder. Also called: TRIP13-related condition.

Submission:

PreventionGenetics, part of Exact Sciences
Classification: Uncertain significance for TRIP13-related condition. Last evaluated: 2026-03-18. Review status: criteria provided, single submitter. Criteria: ACMG Guidelines, 2015. Collection method: clinical testing. Allele origin: germline.
Comment: The TRIP13 c.706A>G variant is predicted to result in the amino acid substitution p.Ile236Val. To our knowledge, this variant has not been reported in the literature or in a large population database (gnomAD), indicating this variant is rare. At the time of reporting this variant is not listed in the ClinVar database. At this time, the clinical significance of this variant is uncertain due to the absence of conclusive functional and genetic evidence.